The following is an entry in ClinVar:

NM_001267550.2(TTN):c.53315_53316del (p.Lys17772fs)

Genes: TTN (titin; minus strand), TTN-AS1 (TTN antisense RNA 1; plus strand), LOC126806425 (BRD4-independent group 4 enhancer GRCh37_chr2:179471933-179473132; plus strand). Cytogenetic location: 2q31.2.
Variant type: Deletion.
Coding change: c.53315_53316del on transcript NM_001267550.2 (MANE Select); coding-DNA positions 53315 to 53316, 2 bases deleted (AA; older notation c.53315_53316delAA).
Protein change: p.Lys17772fs; shifts the reading frame from lysine 17772.
Molecular consequence: frameshift variant.
Genome position (GRCh38, 1-based): chr2:178,607,286-178,607,287, TT deleted on the plus strand (AA on the coding strand, the reverse complement: TTN is on the minus strand); deleting any 2 consecutive bases within chr2:178,607,286-178,607,289 gives the same sequence; the c. name uses the placement nearest the transcript's 3' end. VCF-style (leftmost placement, unchanged base first): chr2-178607285-GTT-G. GRCh37 (hg19) VCF-style: chr2-179472012-GTT-G.
Other names: c.48392_48393del, p.Lys16131fs (NM_001256850.1); c.26120_26121del, p.Lys8707fs (NM_003319.4); c.45611_45612del, p.Lys15204fs (NM_133378.4); c.26495_26496del, p.Lys8832fs (NM_133432.3); c.26696_26697del, p.Lys8899fs (NM_133437.4); short protein forms K15204fs, K16131fs, K8832fs, K8899fs, K17772fs, K8707fs.
Identifiers: ClinVar variation 1490280 (VCV001490280.8), dbSNP rs2154196835, ClinGen allele CA2573133842.

ClinVar aggregate classification (germline): Likely pathogenic (1 of 4 stars; one submission).

Conditions:
Dilated cardiomyopathy 1G (CMD1G). Identifiers: Orphanet 154, MedGen C1858763, MONDO:0011400, OMIM 604145.
Autosomal recessive limb-girdle muscular dystrophy type 2J (LGMDR10). Also called: Limb-girdle muscular dystrophy, type 2J; MUSCULAR DYSTROPHY, LIMB-GIRDLE, AUTOSOMAL RECESSIVE 10. Identifiers: Orphanet 140922, MedGen C1837342, MONDO:0012127, OMIM 608807.

Submission:

Labcorp Genetics (formerly Invitae), Labcorp
Classification: Likely pathogenic for Dilated cardiomyopathy 1G; Autosomal recessive limb-girdle muscular dystrophy type 2J. Last evaluated: 2021-02-07. Review status: criteria provided, single submitter. Criteria: Invitae Variant Classification Sherloc (09022015). Collection method: clinical testing. Allele origin: germline.
Comment: In summary, the currently available evidence indicates that the variant is pathogenic, but additional data are needed to prove that conclusively. Therefore, this variant has been classified as Likely Pathogenic. This variant is located in the A band of TTN (PMID: 25589632). Truncating variants in this region are significantly overrepresented in patients affected with dilated cardiomyopathy (PMID: 25589632). Truncating variants in this region have also been reported in individuals affected with autosomal recessive centronuclear myopathy (PMID: 23975875). This variant has not been reported in the literature in individuals with TTN-related conditions. This variant is not present in population databases (ExAC no frequency). This sequence change creates a premature translational stop signal (p.Lys17772Thrfs*12) in the TTN gene. While this is not anticipated to result in nonsense mediated decay, it is expected to create a truncated TTN protein.

Literature cited by the submitters: PubMed 25589632; PubMed 23975875.